The following is an entry in ClinVar:

NM_000321.3(RB1):c.404T>G (p.Leu135Arg)

Gene: RB1 (RB transcriptional corepressor 1; plus strand). Cytogenetic location: 13q14.2.
Variant type: single nucleotide variant.
Coding change: c.404T>G on transcript NM_000321.3 (MANE Select); coding-DNA position 404, T replaced by G.
Protein change: p.Leu135Arg; replaces leucine 135 with arginine.
Molecular consequence: missense variant.
Genome position (GRCh38, 1-based): chr13:48,345,103, T>G. VCF-style: chr13-48345103-T-G. GRCh37 (hg19) VCF-style: chr13-48919239-T-G.
Other names: c.404T>G, p.Leu135Arg (NM_001407165.1, NM_001407166.1); short protein forms L135R.
Identifiers: ClinVar variation 5027946 (VCV005027946.1).

ClinVar aggregate classification (germline): Uncertain significance (1 of 4 stars; one submission).

Conditions:
Hereditary cancer-predisposing syndrome. Also called: Neoplastic Syndromes, Hereditary; Tumor predisposition; Hereditary neoplastic syndrome; Hereditary Cancer Syndrome. Identifiers: Orphanet 140162, MedGen C0027672, MeSH D009386, MONDO:0015356.

Submission:

Ambry Genetics
Classification: Uncertain significance for Hereditary cancer-predisposing syndrome. Last evaluated: 2026-07-06. Review status: criteria provided, single submitter. Criteria: Ambry Variant Classification Scheme 2023. Collection method: clinical testing. Allele origin: germline.
Comment: The p.L135R variant (also known as c.404T>G), located in coding exon 4 of the RB1 gene, results from a T to G substitution at nucleotide position 404. The leucine at codon 135 is replaced by arginine, an amino acid with dissimilar properties. This amino acid position is conserved. In addition, this alteration is predicted to be deleterious by in silico analysis. Based on the available evidence, the clinical significance of this variant remains unclear.